The following is an entry in ClinVar:

ClinVar aggregate classification (germline): Uncertain significance. Review status: criteria provided, multiple submitters, no conflicts (2 of 4 stars). 5 submissions from 5 submitters: Uncertain significance (4). 1 of the submissions does not count toward it. Last evaluated 2025-06-29.

Conditions:
Autosomal recessive limb-girdle muscular dystrophy type 2A (LGMDR1). Also called: Limb-girdle muscular dystrophy, type 2A; Muscular dystrophy, limb-girdle, type 2A, Amish; LEYDEN-MOEBIUS MUSCULAR DYSTROPHY; MUSCULAR DYSTROPHY, PELVOFEMORAL; Calpainopathy. Identifiers: Orphanet 267, MedGen C1869123, MONDO:0009675, OMIM 253600. Disease mechanism: loss of function.
Muscular dystrophy, limb-girdle, autosomal dominant 4. Also called: Calpain-3-related limb-girdle muscular dystrophy D4; MUSCULAR DYSTROPHY, LIMB-GIRDLE, TYPE 1I. Identifiers: Orphanet 565909, MedGen C4748295, MONDO:0029133, OMIM 618129.
Inborn genetic diseases. Identifiers: MedGen C0950123, MeSH D030342.

Allele frequency attached by ClinVar (database versions not stated): gnomAD 0.00003 and 0.00004; TOPMed 0.00003.
gnomAD v4.1: 8 of 1,613,920 alleles (0.0005%); highest among the groups gnomAD compares: Admixed American, 0.005%; no homozygotes.

Submissions (5):

Ambry Genetics
Classification: Uncertain significance for Inborn genetic diseases. Last evaluated: 2025-06-29. Review status: criteria provided, single submitter. Criteria: Ambry Variant Classification Scheme 2023. Collection method: clinical testing. Allele origin: germline.

Revvity Omics, Revvity
Classification: Uncertain significance. Last evaluated: 2023-03-01. Review status: criteria provided, single submitter. Criteria: ACMG Guidelines, 2015. Collection method: clinical testing. Allele origin: germline.

Fulgent Genetics
Classification: Uncertain significance for Autosomal recessive limb-girdle muscular dystrophy type 2A; Muscular dystrophy, limb-girdle, autosomal dominant 4. Last evaluated: 2022-03-09. Review status: criteria provided, single submitter. Criteria: ACMG Guidelines, 2015. Collection method: clinical testing. Allele origin: unknown.

Labcorp Genetics (formerly Invitae), Labcorp
Classification: Uncertain significance for Autosomal recessive limb-girdle muscular dystrophy type 2A. Last evaluated: 2021-09-01. Review status: criteria provided, single submitter. Criteria: Invitae Variant Classification Sherloc (09022015). Collection method: clinical testing. Allele origin: germline.
Comment: This sequence change replaces asparagine with histidine at codon 117 of the CAPN3 protein (p.Asn117His). The asparagine residue is highly conserved and there is a small physicochemical difference between asparagine and histidine. This variant is not present in population databases (ExAC no frequency). This variant has not been reported in the literature in individuals affected with CAPN3-related conditions. Algorithms developed to predict the effect of missense changes on protein structure and function are either unavailable or do not agree on the potential impact of this missense change (SIFT: "Deleterious"; PolyPhen-2: "Probably Damaging"; Align-GVGD: "Class C0"). In summary, the available evidence is currently insufficient to determine the role of this variant in disease. Therefore, it has been classified as a Variant of Uncertain Significance.

Natera, Inc.
Classification: Uncertain significance for Limb-girdle muscular dystrophy type 2A. Last evaluated: 2020-10-27. Review status: no assertion criteria provided. Collection method: clinical testing. Allele origin: germline. Not counted in ClinVar's aggregate classification.

NM_000070.3(CAPN3):c.349A>C (p.Asn117His)

Gene: CAPN3 (calpain 3; plus strand). Cytogenetic location: 15q15.1.
Variant type: single nucleotide variant.
Coding change: c.349A>C on transcript NM_000070.3 (MANE Select); coding-DNA position 349, A replaced by C.
Protein change: p.Asn117His; replaces asparagine 117 with histidine.
Molecular consequence: missense variant.
Genome position (GRCh38, 1-based): chr15:42,384,522, A>C. VCF-style: chr15-42384522-A-C. GRCh37 (hg19) VCF-style: chr15-42676720-A-C.
Other names: c.349A>C, p.Asn117His (NM_024344.2, NM_173087.2); short protein forms N117H.
Identifiers: ClinVar variation 648827 (VCV000648827.13), dbSNP rs1011699008, ClinGen allele CA269832783.
Genomic context (GRCh38, chr15:42,384,522, plus strand): 5'-CATTTCCTTTTTGTTTCACAGGAAATTTGCGAGAATCCCCGATTTATCATTGATGGAGCC[A>C]ACAGAACTGACATCTGTCAAGGAGAGCTAGGTAGGAAAGTGCCTCAGGTCAGATCCTGCC-3'
Protein context (NP_000061.1, residues 107-127): ENPRFIIDGA[Asn117His]RTDICQGELG